The following is an entry in ClinVar:

NM_004982.4(KCNJ8):c.1145A>G (p.Lys382Arg)

Genes: KCNJ8 (potassium inwardly rectifying channel subfamily J member 8; minus strand), KCNJ8-AS1 (KCNJ8 antisense RNA 1; plus strand). Cytogenetic location: 12p12.1.
Variant type: single nucleotide variant.
Coding change: c.1145A>G on transcript NM_004982.4 (MANE Select); coding-DNA position 1145, A replaced by G.
Protein change: p.Lys382Arg; replaces lysine 382 with arginine.
Molecular consequence: missense variant.
Genome position (GRCh38, 1-based): chr12:21,765,853, T>C on the plus strand (A>G on the coding strand, the complement: KCNJ8 is on the minus strand). VCF-style: chr12-21765853-T-C. GRCh37 (hg19) VCF-style: chr12-21918787-T-C.
Other names: c.1145A>G (NM_004982.2); short protein forms K382R.
Identifiers: ClinVar variation 953104 (VCV000953104.13), dbSNP rs752063865, ClinGen allele CA6480623.
Genomic context (GRCh38, chr12:21,765,853, plus strand): 5'-TTGTTCCTTCGGATAGAATTGTTCCTCCTCATGGAATTGTTTCTTCTCATGGAGTTGCGC[T>C]TCCTCAGAGAATTTTGATGAGACAGTTCACTCTTTTGGAGGGTCTGAATAAGGATGGAAG-3'
Protein context (NP_004973.1, residues 372-392): SELSHQNSLR[Lys382Arg]RNSMRRNNSM

ClinVar aggregate classification (germline): Uncertain significance. Review status: criteria provided, multiple submitters, no conflicts (2 of 4 stars). 3 submissions from 3 submitters: Uncertain significance (3). Last evaluated 2025-08-31.

Conditions:
Cardiovascular phenotype. Identifiers: MedGen CN230736.
Brugada syndrome. Also called: Sudden unexpected nocturnal death syndrome; Sudden unexplained nocturnal death syndrome; Sudden Unexplained Death Syndrome; Sudden Unexplained Nocturnal Death Syndrome (SUNDS). Identifiers: Orphanet 130, MedGen C1142166, MONDO:0015263.

Allele frequency attached by ClinVar (database versions not stated): gnomAD 0.00001; gnomAD exomes 0.00001 and 0.00002; ExAC 0.00002.
gnomAD v4.1: 21 of 1,613,460 alleles (0.0013%); highest among the groups gnomAD compares: Non-Finnish European, 0.0018%; no homozygotes.

Submissions (3):

Ambry Genetics
Classification: Uncertain significance for Cardiovascular phenotype. Last evaluated: 2025-08-31. Review status: criteria provided, single submitter. Criteria: Ambry Variant Classification Scheme 2023. Collection method: clinical testing. Allele origin: germline.
Comment: The p.K382R variant (also known as c.1145A>G), located in coding exon 2 of the KCNJ8 gene, results from an A to G substitution at nucleotide position 1145. The lysine at codon 382 is replaced by arginine, an amino acid with highly similar properties. This amino acid position is conserved. In addition, the in silico prediction for this alteration is inconclusive. Since supporting evidence is limited at this time, the clinical significance of this alteration remains unclear.

Labcorp Genetics (formerly Invitae), Labcorp
Classification: Uncertain significance for Brugada syndrome. Last evaluated: 2024-11-24. Review status: criteria provided, single submitter. Criteria: Invitae Variant Classification Sherloc (09022015). Collection method: clinical testing. Allele origin: germline.
Comment: This sequence change replaces lysine, which is basic and polar, with arginine, which is basic and polar, at codon 382 of the KCNJ8 protein (p.Lys382Arg). This variant is present in population databases (rs752063865, gnomAD 0.004%). This variant has not been reported in the literature in individuals affected with KCNJ8-related conditions. ClinVar contains an entry for this variant (Variation ID: 953104). Invitae Evidence Modeling of protein sequence and biophysical properties (such as structural, functional, and spatial information, amino acid conservation, physicochemical variation, residue mobility, and thermodynamic stability) indicates that this missense variant is not expected to disrupt KCNJ8 protein function with a negative predictive value of 95%. In summary, the available evidence is currently insufficient to determine the role of this variant in disease. Therefore, it has been classified as a Variant of Uncertain Significance.

GeneDx
Classification: Uncertain significance. Last evaluated: 2024-04-11. Review status: criteria provided, single submitter. Criteria: GeneDx Variant Classification Process June 2021. Collection method: clinical testing. Allele origin: germline. Affected: yes.
Comment: Not observed at significant frequency in large population cohorts (gnomAD); In silico analysis indicates that this missense variant does not alter protein structure/function; Has not been previously published as pathogenic or benign to our knowledge; Variants in candidate genes are classified as variants of uncertain significance in accordance with ACMG guidelines (PMID: 25741868)